The following is an entry in ClinVar:

NM_001243133.2(NLRP3):c.1073A>G (p.His358Arg)

Gene: NLRP3 (NLR family pyrin domain containing 3; plus strand). Cytogenetic location: 1q44.
Variant type: single nucleotide variant.
Coding change: c.1073A>G on transcript NM_001243133.2 (MANE Select); coding-DNA position 1073, A replaced by G.
Protein change: p.His358Arg; replaces histidine 358 with arginine.
Molecular consequence: missense variant.
Genome position (GRCh38, 1-based): chr1:247,424,522, A>G. VCF-style: chr1-247424522-A-G. GRCh37 (hg19) VCF-style: chr1-247587824-A-G.
Other names: c.1073A>G, p.His358Arg (NM_001079821.3, NM_001127461.3, NM_001127462.3 and 1 more transcripts); c.1079A>G, p.His360Arg (NM_004895.5); short protein forms H360R, H358R.
Identifiers: ClinVar variation 97914 (VCV000097914.1), dbSNP rs180177434, ClinGen allele CA281137.

ClinVar aggregate classification (germline): not provided (0 of 4 stars; one submission).

Conditions:
Familial cold autoinflammatory syndrome 1 (FCAS1). Also called: CRYOPYRIN-ASSOCIATED PERIODIC SYNDROME 1; Familial cold inflammatory syndrome 1. Identifiers: Orphanet 47045, MedGen C4551895, MONDO:0007349, OMIM 120100.

Submission:

Unité médicale des maladies autoinflammatoires, CHRU Montpellier
No classification provided. Condition: Familial cold urticaria. Review status: no classification provided. Collection method: not provided. Allele origin: unknown.
Comment: also involved in OMIM 191900 and 607115